The following is an entry in ClinVar:

ClinVar aggregate classification (germline): Uncertain significance. Review status: criteria provided, multiple submitters, no conflicts (2 of 4 stars). 2 submissions from 2 submitters: Uncertain significance (2). Last evaluated 2023-06-14.

Conditions:
Familial melanoma. Also called: Hereditary melanoma; Hereditary cutaneous melanoma. Identifiers: Orphanet 618, MedGen C1512419, MONDO:0018961.
Hereditary cancer-predisposing syndrome. Also called: Hereditary Cancer Syndrome; Neoplastic Syndromes, Hereditary; Tumor predisposition; Hereditary neoplastic syndrome. Identifiers: Orphanet 140162, MedGen C0027672, MeSH D009386, MONDO:0015356.

Submissions (2):

Ambry Genetics
Classification: Uncertain significance for Hereditary cancer-predisposing syndrome. Last evaluated: 2023-06-14. Review status: criteria provided, single submitter. Criteria: Ambry Variant Classification Scheme 2023. Collection method: clinical testing. Allele origin: germline.
Comment: The p.P64Q variant (also known as c.191C>A), located in coding exon 1b of the CDKN2A (p14ARF) gene, results from a C to A substitution at nucleotide position 191. The proline at codon 64 is replaced by glutamine, an amino acid with similar properties. This amino acid position is well conserved in available vertebrate species. In addition, the in silico prediction for this alteration is inconclusive. Since supporting evidence is limited at this time, the clinical significance of this alteration remains unclear.

Labcorp Genetics (formerly Invitae), Labcorp
Classification: Uncertain significance for Familial melanoma. Last evaluated: 2021-08-12. Review status: criteria provided, single submitter. Criteria: Invitae Variant Classification Sherloc (09022015). Collection method: clinical testing. Allele origin: germline.

NM_058195.4(CDKN2A):c.191C>A (p.Pro64Gln)

Gene: CDKN2A (cyclin dependent kinase inhibitor 2A; minus strand). Cytogenetic location: 9p21.3.
Variant type: single nucleotide variant.
Coding change: c.191C>A on transcript NM_058195.4 (MANE Plus Clinical); coding-DNA position 191, C replaced by A.
Protein change: p.Pro64Gln; replaces proline 64 with glutamine.
Molecular consequence: missense variant. On other transcripts: intron variant (1).
Genome position (GRCh38, 1-based): chr9:21,994,141, G>T on the plus strand (C>A on the coding strand, the complement: CDKN2A is on the minus strand). VCF-style: chr9-21994141-G-T. GRCh37 (hg19) VCF-style: chr9-21994140-G-T.
Other names: c.-4+680C>A (NM_001363763.2); short protein forms P64Q.
Identifiers: ClinVar variation 568610 (VCV000568610.8), dbSNP rs1348413029, ClinGen allele CA373086766.
Genomic context (GRCh38, chr9:21,994,141, plus strand): 5'-TCACACCAAACAAAACAAGTGCCGAATGCGCCCCGGACTTTTCGAGGGCCTTTCCTACCT[G>T]GTCTTCTAGGAAGCGGCTGCTGCCCTAGACGCTGGCTCCTCAGTAGCATCAGCACGAGGG-3'
Protein context (NP_478102.2, residues 54-74): RLGQQPLPRR[Pro64Gln]GHDDGQRPSG